The following is an entry in ClinVar:

NM_006531.5(IFT88):c.2335A>G (p.Ser779Gly)

Gene: IFT88 (intraflagellar transport 88; plus strand). Cytogenetic location: 13q12.11.
Variant type: single nucleotide variant.
Coding change: c.2335A>G on transcript NM_006531.5 (MANE Select); coding-DNA position 2335, A replaced by G.
Protein change: p.Ser779Gly; replaces serine 779 with glycine.
Molecular consequence: missense variant. On other transcripts: non-coding transcript variant (4), intron variant (5).
Genome position (GRCh38, 1-based): chr13:20,690,797, A>G. VCF-style: chr13-20690797-A-G. GRCh37 (hg19) VCF-style: chr13-21264936-A-G.
Other names: c.2176A>G, p.Ser726Gly (NM_001353574.2); c.1702A>G, p.Ser568Gly (NM_001353579.2); c.2362A>G, p.Ser788Gly (NM_175605.5, NM_001318493.2, NM_001353565.2 and 2 more transcripts); c.2168-257A>G (NM_001353576.2, NM_001353577.2); c.2243-257A>G (NM_001353572.2); c.2141-257A>G (NM_001353578.2); c.*6-257A>G (NM_001353575.2); c.2278A>G, p.Ser760Gly (NM_001318491.2); and 4 more; short protein forms S726G, S731G, S754G, S788G, S745G, S760G, S568G, S779G.
Identifiers: ClinVar variation 1968209 (VCV001968209.5), dbSNP rs1183896713, ClinGen allele CA387475353.

ClinVar aggregate classification (germline): Uncertain significance (1 of 4 stars; one submission).

Allele frequency attached by ClinVar (database versions not stated): gnomAD exomes 0.00003.
gnomAD v4.1: 39 of 1,612,634 alleles (0.0024%); highest among the groups gnomAD compares: Non-Finnish European, 0.0032%; no homozygotes.

Submission:

Labcorp Genetics (formerly Invitae), Labcorp
Classification: Uncertain significance. Last evaluated: 2023-10-24. Review status: criteria provided, single submitter. Criteria: Invitae Variant Classification Sherloc (09022015). Collection method: clinical testing. Allele origin: germline.
Comment: This sequence change replaces serine, which is neutral and polar, with glycine, which is neutral and non-polar, at codon 788 of the IFT88 protein (p.Ser788Gly). This variant is present in population databases (no rsID available, gnomAD 0.0009%). This variant has not been reported in the literature in individuals affected with IFT88-related conditions. ClinVar contains an entry for this variant (Variation ID: 1968209). An algorithm developed to predict the effect of missense changes on protein structure and function (PolyPhen-2) suggests that this variant is likely to be tolerated. In summary, the available evidence is currently insufficient to determine the role of this variant in disease. Therefore, it has been classified as a Variant of Uncertain Significance.